The following is an entry in ClinVar:

NM_001077350.3(NPRL3):c.534C>T (p.Ser178=)

Genes: HBA-LCR (alpha-globin locus control region; plus strand), NPRL3 (NPR3 like, GATOR1 complex subunit; minus strand). Cytogenetic location: 16p13.3.
Variant type: single nucleotide variant.
Coding change: c.534C>T on transcript NM_001077350.3 (MANE Select); coding-DNA position 534, C replaced by T.
Protein change: p.Ser178=; no amino-acid change (serine 178 retained).
Molecular consequence: synonymous variant. On other transcripts: 5 prime UTR variant (1).
Genome position (GRCh38, 1-based): chr16:112,635, G>A on the plus strand (C>T on the coding strand, the complement: NPRL3 is on the minus strand). VCF-style: chr16-112635-G-A. GRCh37 (hg19) VCF-style: chr16-162634-G-A.
Other names: c.-4C>T (NM_001039476.3); c.300C>T, p.Ser100= (NM_001243247.2); c.459C>T, p.Ser153= (NM_001243248.2, NM_001243249.2).
Identifiers: ClinVar variation 476224 (VCV000476224.17), dbSNP rs140092767, ClinGen allele CA7769644.

ClinVar aggregate classification (germline): Benign/Likely benign. Review status: criteria provided, multiple submitters, no conflicts (2 of 4 stars). 4 submissions from 4 submitters: Benign (1); Likely benign (3). Last evaluated 2026-05-01.

Conditions:
Epilepsy, familial focal, with variable foci 3 (FFEVF3). Identifiers: MedGen C4310708, MONDO:0014925, OMIM 617118.

Allele frequency attached by ClinVar (database versions not stated): gnomAD exomes 0.00034 and 0.00085; ExAC 0.00179; 1000 Genomes Project 0.00359; gnomAD 0.00393 and 0.00419; 1000 Genomes Project 30x 0.00422; TOPMed 0.00453; ESP Exome Variant Server 0.00503.
gnomAD v4.1: 1,108 of 1,589,352 alleles (0.07%); highest among the groups gnomAD compares: African/African-American, 1.3%; 7 homozygotes.

Submissions (4):

CeGaT Center for Human Genetics Tuebingen
Classification: Likely benign. Last evaluated: 2026-05-01. Review status: criteria provided, single submitter. Criteria: CeGaT Center For Human Genetics Tuebingen Variant Classification Criteria Version 2. Collection method: clinical testing. Allele origin: germline. Affected: yes. Observed: 1 variant allele.
Comment: NPRL3: BP4, BP7, BS1

Labcorp Genetics (formerly Invitae), Labcorp
Classification: Benign for Epilepsy, familial focal, with variable foci 3. Last evaluated: 2026-02-03. Review status: criteria provided, single submitter. Criteria: Invitae Variant Classification Sherloc (09022015). Collection method: clinical testing. Allele origin: germline.

Blueprint Genetics
Classification: Likely benign. Last evaluated: 2024-10-17. Review status: criteria provided, single submitter. Criteria: ACMG Guidelines, 2015. Collection method: clinical testing. Allele origin: germline.

GeneDx
Classification: Likely benign. Last evaluated: 2020-12-09. Review status: criteria provided, single submitter. Criteria: GeneDx Variant Classification Process June 2021. Collection method: clinical testing. Allele origin: germline. Affected: yes.